The following is an entry in ClinVar:

NM_016030.6(TRAPPC12):c.38C>T (p.Pro13Leu)

Gene: TRAPPC12 (trafficking protein particle complex subunit 12; plus strand). Cytogenetic location: 2p25.3.
Variant type: single nucleotide variant.
Coding change: c.38C>T on transcript NM_016030.6 (MANE Select); coding-DNA position 38, C replaced by T.
Protein change: p.Pro13Leu; replaces proline 13 with leucine.
Molecular consequence: missense variant.
Genome position (GRCh38, 1-based): chr2:3,387,661, C>T. VCF-style: chr2-3387661-C-T. GRCh37 (hg19) VCF-style: chr2-3391432-C-T.
Other names: c.38C>T, p.Pro13Leu (NM_001321102.2); short protein forms P13L.
Identifiers: ClinVar variation 2902792 (VCV002902792.3), dbSNP rs970595253, ClinGen allele CA41516445.
Genomic context (GRCh38, chr2:3,387,661, plus strand): 5'-TCTCTGTCTTTGCTTTCAGGGTCATGGAGGACGCTGGCGGCGGCGAGGAGACCCCGGCCC[C>T]GGAGGCCCCGCACCCCCCTCAGCTCGCGCCTCCGGAGGAGCAGGGGTTGCTCTTCCAGGA-3'
Protein context (NP_057114.5, residues 3-23): DAGGGEETPA[Pro13Leu]EAPHPPQLAP

ClinVar aggregate classification (germline): Uncertain significance (1 of 4 stars; one submission).

Allele frequency attached by ClinVar (database versions not stated): TOPMed below 0.00001.
gnomAD v4.1: 5 of 1,549,316 alleles (0.00032%); highest among the groups gnomAD compares: Admixed American, 0.0079%; no homozygotes.

Submission:

Labcorp Genetics (formerly Invitae), Labcorp
Classification: Uncertain significance. Last evaluated: 2023-06-29. Review status: criteria provided, single submitter. Criteria: Invitae Variant Classification Sherloc (09022015). Collection method: clinical testing. Allele origin: germline.
Comment: In summary, the available evidence is currently insufficient to determine the role of this variant in disease. Therefore, it has been classified as a Variant of Uncertain Significance. Experimental studies and prediction algorithms are not available or were not evaluated, and the functional significance of this variant is currently unknown. This variant has not been reported in the literature in individuals affected with TRAPPC12-related conditions. This variant is present in population databases (no rsID available, gnomAD 0.008%). This sequence change replaces proline, which is neutral and non-polar, with leucine, which is neutral and non-polar, at codon 13 of the TRAPPC12 protein (p.Pro13Leu).